The following is an entry in ClinVar:

NM_001184.4(ATR):c.5276T>C (p.Val1759Ala)

Gene: ATR (ATR checkpoint kinase; minus strand). Cytogenetic location: 3q23.
Variant type: single nucleotide variant.
Coding change: c.5276T>C on transcript NM_001184.4 (MANE Select); coding-DNA position 5276, T replaced by C.
Protein change: p.Val1759Ala; replaces valine 1759 with alanine.
Molecular consequence: missense variant.
Genome position (GRCh38, 1-based): chr3:142,503,374, A>G on the plus strand (T>C on the coding strand, the complement: ATR is on the minus strand). VCF-style: chr3-142503374-A-G. GRCh37 (hg19) VCF-style: chr3-142222216-A-G.
Other names: c.5084T>C, p.Val1695Ala (NM_001354579.2); short protein forms V1695A, V1759A.
Identifiers: ClinVar variation 1355055 (VCV001355055.6), dbSNP rs2108351722, ClinGen allele CA354818273.

ClinVar aggregate classification (germline): Uncertain significance (1 of 4 stars; one submission).

Submission:

Labcorp Genetics (formerly Invitae), Labcorp
Classification: Uncertain significance. Last evaluated: 2021-10-31. Review status: criteria provided, single submitter. Criteria: Invitae Variant Classification Sherloc (09022015). Collection method: clinical testing. Allele origin: germline.
Comment: This variant has not been reported in the literature in individuals affected with ATR-related conditions. This variant is not present in population databases (gnomAD no frequency). This sequence change replaces valine, which is neutral and non-polar, with alanine, which is neutral and non-polar, at codon 1759 of the ATR protein (p.Val1759Ala). Algorithms developed to predict the effect of missense changes on protein structure and function are either unavailable or do not agree on the potential impact of this missense change (SIFT: "Tolerated"; PolyPhen-2: "Possibly Damaging"; Align-GVGD: "Class C0"). In summary, the available evidence is currently insufficient to determine the role of this variant in disease. Therefore, it has been classified as a Variant of Uncertain Significance.